The following is an entry in ClinVar:

NM_000344.4(SMN1):c.835-17C>G

Gene: SMN1 (survival of motor neuron 1, telomeric). Cytogenetic location: 5q13.2.
Variant type: single nucleotide variant.
Coding change: c.835-17C>G on transcript NM_000344.4 (MANE Select); 17 bases into the intron before coding-DNA position 835, C replaced by G.
Molecular consequence: intron variant.
Genome position (GRCh38, 1-based): chr5:70,951,924, C>G. VCF-style: chr5-70951924-C-G. GRCh37 (hg19) VCF-style: chr5-70247751-C-G.
Other names: c.835-515C>G (NM_001297715.1); c.739-17C>G (NM_022874.2).
Identifiers: ClinVar variation 928627 (VCV000928627.2), dbSNP rs1749768663, ClinGen allele CA1139658878.
Genomic context (GRCh38, chr5:70,951,924, plus strand): 5'-TCCATATAAAGCTATCTATATATAGCTATCTATGTCTATATAGCTATTTTTTTTAACTTC[C>G]TTTATTTTCCTTACAGGGTTTCAGACAAAATCAAAAAGAAGGAAGGTGCTCACATTCCTT-3'

ClinVar aggregate classification (germline): Likely benign (1 of 4 stars; one submission).

Submission:

Women's Health and Genetics/Laboratory Corporation of America, LabCorp
Classification: Likely benign. Last evaluated: 2025-03-19. Review status: criteria provided, single submitter. Criteria: LabCorp Variant Classification Summary - May 2015. Collection method: clinical testing. Allele origin: germline.
Comment: Variant summary: SMN1 c.835-17C>G alters a nucleotide located at a position not widely known to affect splicing. Consensus agreement among computation tools predict no significant impact on normal splicing. However, these predictions have yet to be confirmed by functional studies. The variant was absent in 247818 control chromosomes (gnomAD). The available data on variant occurrences in the general population are insufficient to allow any conclusion about variant significance. To our knowledge, no occurrence of c.835-17C>G in individuals affected with Spinal Muscular Atrophy and no experimental evidence demonstrating its impact on protein function have been reported. ClinVar contains an entry for this variant (Variation ID: 928627). Based on the evidence outlined above, the variant was classified as likely benign.